The following is an entry in ClinVar:

ClinVar aggregate classification (germline): Uncertain significance (1 of 4 stars; one submission).

gnomAD v4.1: 32 of 1,425,272 alleles (0.0022%); highest among the groups gnomAD compares: Non-Finnish European, 0.0028%; no homozygotes.

Submission:

Labcorp Genetics (formerly Invitae), Labcorp
Classification: Uncertain significance. Last evaluated: 2025-07-23. Review status: criteria provided, single submitter. Criteria: Invitae Variant Classification Sherloc (09022015). Collection method: clinical testing. Allele origin: germline.
Comment: This sequence change replaces glycine, which is neutral and non-polar, with glutamic acid, which is acidic and polar, at codon 11 of the ST14 protein (p.Gly11Glu). This variant is present in population databases (no rsID available, gnomAD 0.01%). This variant has not been reported in the literature in individuals affected with ST14-related conditions. An algorithm developed to predict the effect of missense changes on protein structure and function (PolyPhen-2) suggests that this variant is likely to be disruptive. In summary, the available evidence is currently insufficient to determine the role of this variant in disease. Therefore, it has been classified as a Variant of Uncertain Significance.

NM_021978.4(ST14):c.32G>A (p.Gly11Glu)

Gene: ST14 (ST14 transmembrane serine protease matriptase; plus strand). Cytogenetic location: 11q24.3.
Variant type: single nucleotide variant.
Coding change: c.32G>A on transcript NM_021978.4 (MANE Select); coding-DNA position 32, G replaced by A.
Protein change: p.Gly11Glu; replaces glycine 11 with glutamic acid.
Molecular consequence: missense variant.
Genome position (GRCh38, 1-based): chr11:130,160,011, G>A. VCF-style: chr11-130160011-G-A. GRCh37 (hg19) VCF-style: chr11-130029906-G-A.
Other names: short protein forms G11E.
Identifiers: ClinVar variation 4691397 (VCV004691397.1).